The following is an entry in ClinVar:

NM_000283.4(PDE6B):c.1920+4G>A

Gene: PDE6B (phosphodiesterase 6B; plus strand). Cytogenetic location: 4p16.3.
Variant type: single nucleotide variant.
Coding change: c.1920+4G>A on transcript NM_000283.4 (MANE Select); 4 bases into the intron after coding-DNA position 1920, G replaced by A.
Molecular consequence: intron variant.
Genome position (GRCh38, 1-based): chr4:663,191, G>A. VCF-style: chr4-663191-G-A. GRCh37 (hg19) VCF-style: chr4-656980-G-A.
Other names: c.1920+4G>A (NM_001145291.2); c.1083+4G>A (NM_001379246.1, NM_001379247.1, NM_001145292.2 and 1 more transcripts); c.765+4G>A (NM_001350155.3).
Identifiers: ClinVar variation 907110 (VCV000907110.11), dbSNP rs370313003, ClinGen allele CA2794752.
Genomic context (GRCh38, chr4:663,191, plus strand): 5'-TCCTCGATTTTGGAGCGGCACCACCTGGAGTTTGGGAAGTTCCTGCTCTCGGAGGAGGTT[G>A]GTATACTCACCCTCGGTTTCTGCTGTGGGCGCTGGGGACGCAGCGTCCGCAGGACGGCAG-3'

ClinVar aggregate classification (germline): Conflicting classifications of pathogenicity. Review status: criteria provided, conflicting classifications (1 of 4 stars). 4 submissions from 3 submitters: Uncertain significance (3); Likely benign (1). Last evaluated 2025-07-02.

Conditions:
Congenital stationary night blindness autosomal dominant 2. Also called: NIGHT BLINDNESS, CONGENITAL STATIONARY, RAMBUSCH TYPE. Identifiers: Orphanet 215, MedGen C1876182, MONDO:0008099, OMIM 163500.
Retinitis pigmentosa (RP). Identifiers: Orphanet 791, MedGen C0035334, MeSH D012174, MONDO:0019200, OMIM 268000. Inheritance: Autosomal dominant, autosomal recessive and X linked inheritance.

Allele frequency attached by ClinVar (database versions not stated): ExAC 0.00001; gnomAD exomes 0.00002; gnomAD 0.00014 and 0.00015; TOPMed 0.00014; ESP Exome Variant Server 0.00015.
gnomAD v4.1: 48 of 1,545,240 alleles (0.0031%); highest among the groups gnomAD compares: African/African-American, 0.039%; no homozygotes.

Submissions (4):

Labcorp Genetics (formerly Invitae), Labcorp
Classification: Uncertain significance. Last evaluated: 2025-07-02. Review status: criteria provided, single submitter. Criteria: Invitae Variant Classification Sherloc (09022015). Collection method: clinical testing. Allele origin: germline.
Comment: This sequence change falls in intron 15 of the PDE6B gene. It does not directly change the encoded amino acid sequence of the PDE6B protein. It affects a nucleotide within the consensus splice site. This variant is present in population databases (rs370313003, gnomAD 0.04%). This variant has not been reported in the literature in individuals affected with PDE6B-related conditions. ClinVar contains an entry for this variant (Variation ID: 907110). Variants that disrupt the consensus splice site are a relatively common cause of aberrant splicing (PMID: 17576681, 9536098). Algorithms developed to predict the effect of sequence changes on RNA splicing suggest that this variant is not likely to affect RNA splicing. In summary, the available evidence is currently insufficient to determine the role of this variant in disease. Therefore, it has been classified as a Variant of Uncertain Significance.

Blueprint Genetics
Classification: Likely benign. Last evaluated: 2024-09-13. Review status: criteria provided, single submitter. Criteria: ACMG Guidelines, 2015. Collection method: clinical testing. Allele origin: germline.

Illumina Laboratory Services, Illumina
Classification: Uncertain significance for Congenital stationary night blindness autosomal dominant 2. Last evaluated: 2018-01-12. Review status: criteria provided, single submitter. Criteria: ICSL Variant Classification Criteria 13 December 2019. Collection method: clinical testing. Allele origin: germline.

Illumina Laboratory Services, Illumina
Classification: Uncertain significance for Retinitis pigmentosa. Last evaluated: 2018-01-12. Review status: criteria provided, single submitter. Criteria: ICSL Variant Classification Criteria 13 December 2019. Collection method: clinical testing. Allele origin: germline.

Literature cited by the submitters: PubMed 17576681 (cited by Labcorp Genetics (formerly Invitae), Labcorp); PubMed 9536098 (cited by Labcorp Genetics (formerly Invitae), Labcorp).